The following is an entry in ClinVar:

NM_001753.5(CAV1):c.500T>C (p.Phe167Ser)

Gene: CAV1 (caveolin 1; plus strand). Cytogenetic location: 7q31.2.
Variant type: single nucleotide variant.
Coding change: c.500T>C on transcript NM_001753.5 (MANE Select); coding-DNA position 500, T replaced by C.
Protein change: p.Phe167Ser; replaces phenylalanine 167 with serine.
Molecular consequence: missense variant.
Genome position (GRCh38, 1-based): chr7:116,559,250, T>C. VCF-style: chr7-116559250-T-C. GRCh37 (hg19) VCF-style: chr7-116199304-T-C.
Other names: c.407T>C, p.Phe136Ser (NM_001172895.1, NM_001172896.2, NM_001172897.2); short protein forms F167S, F136S.
Identifiers: ClinVar variation 541324 (VCV000541324.15), dbSNP rs201966419, ClinGen allele CA4447897.
Genomic context (GRCh38, chr7:116,559,250, plus strand): 5'-TCTATTCCATCTACGTCCACACCGTCTGTGACCCACTCTTTGAAGCTGTTGGGAAAATAT[T>C]CAGCAATGTCCGCATCAACTTGCAGAAAGAAATATAAATGACATTTCAAGGATAGAAGTA-3'
Protein context (NP_001744.2, residues 157-177): DPLFEAVGKI[Phe167Ser]SNVRINLQKE

ClinVar aggregate classification (germline): Conflicting classifications of pathogenicity. Review status: criteria provided, conflicting classifications (1 of 4 stars). 5 submissions from 5 submitters: Uncertain significance (3); Likely benign (2). Last evaluated 2025-10-09.

Conditions:
Monogenic diabetes. Identifiers: Orphanet 183625, MedGen C3888631, MONDO:0015967.
Pulmonary hypertension, primary, 3. Identifiers: Orphanet 422, MedGen C3809192, MONDO:0014135, OMIM 615343.
Congenital generalized lipodystrophy type 3 (CGL3). Also called: BERARDINELLI-SEIP CONGENITAL LIPODYSTROPHY, TYPE 3. Identifiers: Orphanet 528, Orphanet 696206, MedGen C2675861, MONDO:0012923, OMIM 612526.
Partial lipodystrophy, congenital cataracts, and neurodegeneration syndrome (FPLD7). Identifiers: MedGen C3807567, MONDO:0011714, OMIM 606721.

Allele frequency attached by ClinVar (database versions not stated): ExAC 0.00004; gnomAD exomes 0.00008 and 0.00015; TOPMed 0.00008; gnomAD 0.00011; 1000 Genomes Project 30x 0.00016; 1000 Genomes Project 0.00020.
gnomAD v4.1: 235 of 1,613,792 alleles (0.015%); highest among the groups gnomAD compares: Non-Finnish European, 0.017%; no homozygotes.

Submissions (5):

Women's Health and Genetics/Laboratory Corporation of America, LabCorp
Classification: Uncertain significance. Last evaluated: 2025-10-09. Review status: criteria provided, single submitter. Criteria: LabCorp Variant Classification Summary - May 2015. Collection method: clinical testing. Allele origin: germline.
Comment: Variant summary: CAV1 c.500T>C (p.Phe167Ser) results in a non-conservative amino acid change in the encoded protein sequence. Algorithms developed to predict the effect of missense changes on protein structure and function all suggest that this variant is likely to be disruptive. The variant allele was found at a frequency of 8.4e-05 in 250712 control chromosomes, predominantly at a frequency of 0.0012 within the Ashkenazi Jewish subpopulation in the gnomAD database. This frequency is not significantly higher than estimated for disease-causing variants in CAV1, allowing no conclusion about variant significance. c.500T>C has been observed in individual(s) affected with CAV1-Related Disorders (Dron_2020, Zhu_2021) and ALS (CooperKnock_2020), without strong evidence for causality. These report(s) do not provide unequivocal conclusions about association of the variant with CAV1-Related Disorders. To our knowledge, no experimental evidence demonstrating an impact on protein function has been reported. The following publications have been ascertained in the context of this evaluation (PMID: 33264630, 32041611, 31727138). ClinVar contains an entry for this variant (Variation ID: 541324). Based on the evidence outlined above, the variant was classified as uncertain significance.

Labcorp Genetics (formerly Invitae), Labcorp
Classification: Likely benign for Pulmonary hypertension, primary, 3. Last evaluated: 2024-06-13. Review status: criteria provided, single submitter. Criteria: Invitae Variant Classification Sherloc (09022015). Collection method: clinical testing. Allele origin: germline.

Fulgent Genetics
Classification: Likely benign for Partial lipodystrophy, congenital cataracts, and neurodegeneration syndrome; Congenital generalized lipodystrophy type 3; Pulmonary hypertension, primary, 3. Last evaluated: 2024-03-19. Review status: criteria provided, single submitter. Criteria: ACMG Guidelines, 2015. Collection method: clinical testing. Allele origin: germline.

GeneDx
Classification: Uncertain significance. Last evaluated: 2023-08-10. Review status: criteria provided, single submitter. Criteria: GeneDx Variant Classification Process June 2021. Collection method: clinical testing. Allele origin: germline. Affected: yes.
Comment: Reported as c.407 T>C p.(Phe136Ser) due to use of alternate nomenclature in individuals with pulmonary arterial hypertension (Zhu et al., 2019); In silico analysis supports that this missense variant has a deleterious effect on protein structure/function; This variant is associated with the following publications: (PMID: 33264630, 32041611, 31727138)

Personalized Diabetes Medicine Program, University of Maryland School of Medicine
Classification: Uncertain significance for Monogenic diabetes. Last evaluated: 2019-02-22. Review status: criteria provided, single submitter. Criteria: ACMG Guidelines, 2015. Collection method: research. Allele origin: unknown. Observed: 1 variant allele, 1 heterozygote.
Comment: ACMG criteria: PP3 (REVEL 0.9 + 10 predictors) = VUS

Literature cited by the submitters: PubMed 32041611 (cited by Women's Health and Genetics/Laboratory Corporation of America, LabCorp); PubMed 31727138 (cited by Women's Health and Genetics/Laboratory Corporation of America, LabCorp); PubMed 33264630 (cited by Women's Health and Genetics/Laboratory Corporation of America, LabCorp).